The following is an entry in ClinVar:

NM_000138.5(FBN1):c.7678C>T (p.Gln2560Ter)

Gene: FBN1 (fibrillin 1; minus strand). Cytogenetic location: 15q21.1.
Variant type: single nucleotide variant.
Coding change: c.7678C>T on transcript NM_000138.5 (MANE Select); coding-DNA position 7678, C replaced by T.
Protein change: p.Gln2560Ter; replaces glutamine 2560 with a stop codon.
Molecular consequence: nonsense.
Genome position (GRCh38, 1-based): chr15:48,421,579, G>A on the plus strand (C>T on the coding strand, the complement: FBN1 is on the minus strand). VCF-style: chr15-48421579-G-A. GRCh37 (hg19) VCF-style: chr15-48713776-G-A.
Other names: c.7678C>T, p.Gln2560Ter (NM_001406716.1); short protein forms Q2560*.
Identifiers: ClinVar variation 2125647 (VCV002125647.4), dbSNP rs2042941719, ClinGen allele CA392324999.

ClinVar aggregate classification (germline): Pathogenic (1 of 4 stars; one submission).

Conditions:
Familial thoracic aortic aneurysm and aortic dissection (TAAD). Also called: Thoracic aortic aneurysms and dissections. Identifiers: Orphanet 91387, MedGen C4707243, MONDO:0019625.
Marfan syndrome (MFS). Also called: MARFAN SYNDROME, TYPE I; Marfan syndrome type 1; Marfan's syndrome; Marfan syndrome, classic; FBN1-Related Marfan Syndrome. Identifiers: Orphanet 284963, Orphanet 558, MedGen C0024796, MONDO:0007947, OMIM 154700.

Submission:

Labcorp Genetics (formerly Invitae), Labcorp
Classification: Pathogenic for Marfan syndrome; Familial thoracic aortic aneurysm and aortic dissection. Last evaluated: 2022-04-12. Review status: criteria provided, single submitter. Criteria: Invitae Variant Classification Sherloc (09022015). Collection method: clinical testing. Allele origin: germline.
Comment: For these reasons, this variant has been classified as Pathogenic. This variant has not been reported in the literature in individuals affected with FBN1-related conditions. This variant is not present in population databases (gnomAD no frequency). This sequence change creates a premature translational stop signal (p.Gln2560*) in the FBN1 gene. It is expected to result in an absent or disrupted protein product. Loss-of-function variants in FBN1 are known to be pathogenic (PMID: 17657824, 19293843).

Literature cited by the submitters: PubMed 17657824; PubMed 19293843.